The following is an entry in ClinVar:

NM_001378615.1(CC2D2A):c.3015-9A>C

Genes: CC2D2A (coiled-coil and C2 domain containing 2A; plus strand), FBXL5 (F-box and leucine rich repeat protein 5; minus strand). Cytogenetic location: 4p15.32.
Variant type: single nucleotide variant.
Coding change: c.3015-9A>C on transcript NM_001378615.1 (MANE Select); 9 bases into the intron before coding-DNA position 3015, A replaced by C.
Molecular consequence: intron variant.
Genome position (GRCh38, 1-based): chr4:15,563,346, A>C. VCF-style: chr4-15563346-A-C. GRCh37 (hg19) VCF-style: chr4-15564969-A-C.
Other names: c.3015-9A>C (NM_001080522.2); c.2868-9A>C (NM_001378617.1).
Identifiers: ClinVar variation 1032608 (VCV001032608.11), dbSNP rs1010285962, ClinGen allele CA92513467.
Genomic context (GRCh38, chr4:15,563,346, plus strand): 5'-GGAAGTCGTCTCACAATTTTGCAGACCTTTCTTTTTCTTAGAGTCCTGATCCTGTTCTGT[A>C]ATCATTAGCATTTTGGGCCTAAGCCTTTTCAAGCTGGCAGAACAAAAGCGACCACTGCGG-3'

ClinVar aggregate classification (germline): Conflicting classifications of pathogenicity. Review status: criteria provided, conflicting classifications (1 of 4 stars). 4 submissions from 4 submitters: Uncertain significance (2); Likely benign (2). Last evaluated 2026-05-21.

Conditions:
COACH syndrome 2. Identifiers: MedGen C5436837, MONDO:0030859, OMIM 619111.
Meckel syndrome, type 6. Identifiers: Orphanet 564, MedGen C2676790, MONDO:0012848, OMIM 612284.
Joubert syndrome 9 (JBTS9). Identifiers: Orphanet 2318, MedGen C2676788, MONDO:0012849, OMIM 612285.
Retinitis pigmentosa 93. Identifiers: MedGen C5676970, MONDO:0030797, OMIM 619845.
Joubert syndrome. Also called: JOUBERT-BOLTSHAUSER SYNDROME; Familial aplasia of the vermis. Identifiers: Orphanet 475, MedGen C5979921, MONDO:0018772.
Meckel-Gruber syndrome. Also called: Dysencephalia splachnocystica; DYSENCEPHALIA SPLANCHNOCYSTICA; GRUBER SYNDROME. Identifiers: Orphanet 564, MedGen C0265215, MONDO:0018921.
CC2D2A-related disorder. Also called: CC2D2A-related condition; CC2D2A-related disorders. Identifiers: MedGen CN239313.
COACH syndrome 1. Identifiers: Orphanet 1454, MedGen C5435651, MONDO:0800103, OMIM 216360, MONDO:0008996.

Allele frequency attached by ClinVar (database versions not stated): gnomAD exomes below 0.00001; gnomAD 0.00001; TOPMed 0.00001.
gnomAD v4.1: 3 of 1,593,010 alleles (0.00019%); highest among the groups gnomAD compares: Non-Finnish European, 0.00026%; no homozygotes.

Submissions (4):

PreventionGenetics, part of Exact Sciences
Classification: Likely benign for CC2D2A-related condition. Last evaluated: 2026-05-21. Review status: criteria provided, single submitter. Criteria: ACMG Guidelines, 2015. Collection method: clinical testing. Allele origin: germline.
Comment: This variant is classified as likely benign based on ACMG/AMP sequence variant interpretation guidelines (Richards et al. 2015 PMID: 25741868, with internal and published modifications).

Labcorp Genetics (formerly Invitae), Labcorp
Classification: Likely benign for Joubert syndrome; Meckel-Gruber syndrome. Last evaluated: 2024-10-10. Review status: criteria provided, single submitter. Criteria: Invitae Variant Classification Sherloc (09022015). Collection method: clinical testing. Allele origin: germline.

Fulgent Genetics
Classification: Uncertain significance for Meckel syndrome, type 6; Joubert syndrome 9; COACH syndrome 2; Retinitis pigmentosa 93. Last evaluated: 2024-02-28. Review status: criteria provided, single submitter. Criteria: ACMG Guidelines, 2015. Collection method: clinical testing. Allele origin: germline.

Baylor Genetics
Classification: Uncertain significance for COACH syndrome 1. Last evaluated: 2018-04-30. Review status: criteria provided, single submitter. Criteria: ACMG Guidelines, 2015. Collection method: clinical testing. Allele origin: maternal. Affected: yes.
Comment: This variant was determined to be of uncertain significance according to ACMG Guidelines, 2015 [PMID:25741868].